The following is an entry in ClinVar:

ClinVar aggregate classification (germline): Uncertain significance (1 of 4 stars; one submission).

Submission:

Dasa
Classification: Uncertain significance. Last evaluated: 2025-10-05. Review status: criteria provided, single submitter. Criteria: DASA Assertion Criteria. Collection method: clinical testing. Allele origin: germline.
Comment: NM_181523.3(PIK3R1):c.1294C>T (p.Gln432*) is a nonsense variant in PIK3R1 predicted to introduce a premature termination codon. The affected residue or protein region has prior evidence supporting clinical relevance. This variant is absent from population databases. The currently available literature and clinical evidence are not sufficient to establish a definitive association between this variant and the reported condition. Therefore, this variant is classified as a variant of uncertain significance.

NM_181523.3(PIK3R1):c.1294C>T (p.Gln432Ter)

Gene: PIK3R1 (phosphoinositide-3-kinase regulatory subunit 1; plus strand). Cytogenetic location: 5q13.1.
Variant type: single nucleotide variant.
Coding change: c.1294C>T on transcript NM_181523.3 (MANE Select); coding-DNA position 1294, C replaced by T.
Protein change: p.Gln432Ter; replaces glutamine 432 with a stop codon.
Molecular consequence: nonsense.
Genome position (GRCh38, 1-based): chr5:68,293,478, C>T. VCF-style: chr5-68293478-C-T. GRCh37 (hg19) VCF-style: chr5-67589306-C-T.
Other names: c.205C>T, p.Gln69Ter (NM_001242466.2); c.484C>T, p.Gln162Ter (NM_181504.4); c.394C>T, p.Gln132Ter (NM_181524.2); short protein forms Q132*, Q162*, Q432*, Q69*.
Identifiers: ClinVar variation 5020841 (VCV005020841.1).
Genomic context (GRCh38, chr5:68,293,478, plus strand): 5'-TCTCTAGCTCAGTATAATCCCAAATTGGATGTGAAATTACTTTATCCAGTATCCAAATAC[C>T]AACAGGTAATAAAAACTGAATGAATTATCCAGTTACGATGTTTAGACAAGATCCTTTTAA-3'